The following is an entry in ClinVar:

NM_032409.3(PINK1):c.101C>G (p.Pro34Arg)

Gene: PINK1 (PTEN induced kinase 1; plus strand). Cytogenetic location: 1p36.12.
Variant type: single nucleotide variant.
Coding change: c.101C>G on transcript NM_032409.3 (MANE Select); coding-DNA position 101, C replaced by G.
Protein change: p.Pro34Arg; replaces proline 34 with arginine.
Molecular consequence: missense variant.
Genome position (GRCh38, 1-based): chr1:20,633,649, C>G. VCF-style: chr1-20633649-C-G. GRCh37 (hg19) VCF-style: chr1-20960142-C-G.
Other names: short protein forms P34R.
Identifiers: ClinVar variation 1399865 (VCV001399865.6), dbSNP rs1006830855, ClinGen allele CA18987717.

ClinVar aggregate classification (germline): Uncertain significance (1 of 4 stars; one submission).

Conditions:
Autosomal recessive early-onset Parkinson disease 6 (PARK6). Also called: PARKINSON DISEASE 6, EARLY-ONSET; PARKINSON DISEASE 6, MODIFIER OF; PINK1-Related Parkinson Disease; PINK1 Type of Young-Onset Parkinson Disease. Identifiers: Orphanet 2828, MedGen C1853833, MONDO:0011613, OMIM 605909.

Allele frequency attached by ClinVar (database versions not stated): gnomAD 0.00001; TOPMed 0.00003.
gnomAD v4.1: 39 of 1,331,438 alleles (0.0029%); highest among the groups gnomAD compares: Admixed American, 0.0042%; no homozygotes.

Submission:

Labcorp Genetics (formerly Invitae), Labcorp
Classification: Uncertain significance for Autosomal recessive early-onset Parkinson disease 6. Last evaluated: 2026-01-19. Review status: criteria provided, single submitter. Criteria: Invitae Variant Classification Sherloc (09022015). Collection method: clinical testing. Allele origin: germline.
Comment: This sequence change replaces proline, which is neutral and non-polar, with arginine, which is basic and polar, at codon 34 of the PINK1 protein (p.Pro34Arg). This variant is not present in population databases (gnomAD no frequency). This variant has not been reported in the literature in individuals affected with PINK1-related conditions. ClinVar contains an entry for this variant (Variation ID: 1399865). Invitae Evidence Modeling of protein sequence and biophysical properties (such as structural, functional, and spatial information, amino acid conservation, physicochemical variation, residue mobility, and thermodynamic stability) indicates that this missense variant is not expected to disrupt PINK1 protein function with a negative predictive value of 95%. In summary, the available evidence is currently insufficient to determine the role of this variant in disease. Therefore, it has been classified as a Variant of Uncertain Significance.